The following is an entry in ClinVar:

ClinVar aggregate classification (germline): Pathogenic (1 of 4 stars; one submission).

Conditions:
2-aminoadipic 2-oxoadipic aciduria (AAKAD). Also called: Aminoadipic aciduria; ALPHA-AMINOADIPIC AND ALPHA-KETOADIPIC ACIDURIA. Identifiers: Orphanet 79154, MedGen C1859817, MONDO:0008774, OMIM 204750.

Allele frequency attached by ClinVar (database versions not stated): gnomAD exomes below 0.00001; ExAC 0.00001; gnomAD 0.00001; TOPMed 0.00001; 1000 Genomes Project 30x 0.00016; 1000 Genomes Project 0.00020.
gnomAD v4.1: 5 of 1,568,860 alleles (0.00032%); highest among the groups gnomAD compares: East Asian, 0.0091%; no homozygotes.

Submission:

Labcorp Genetics (formerly Invitae), Labcorp
Classification: Pathogenic for 2-aminoadipic 2-oxoadipic aciduria. Last evaluated: 2022-09-29. Review status: criteria provided, single submitter. Criteria: Invitae Variant Classification Sherloc (09022015). Collection method: clinical testing. Allele origin: germline.
Comment: For these reasons, this variant has been classified as Pathogenic. This variant has not been reported in the literature in individuals affected with DHTKD1-related conditions. This variant is present in population databases (rs190101915, gnomAD 0.02%). This sequence change creates a premature translational stop signal (p.Lys801*) in the DHTKD1 gene. It is expected to result in an absent or disrupted protein product. Loss-of-function variants in DHTKD1 are known to be pathogenic (PMID: 23141293, 25860818).

Literature cited by the submitters: PubMed 23141293; PubMed 25860818.

NM_018706.7(DHTKD1):c.2401A>T (p.Lys801Ter)

Gene: DHTKD1 (dehydrogenase E1 and transketolase domain containing 1; plus strand). Cytogenetic location: 10p14.
Variant type: single nucleotide variant.
Coding change: c.2401A>T on transcript NM_018706.7 (MANE Select); coding-DNA position 2401, A replaced by T.
Protein change: p.Lys801Ter; replaces lysine 801 with a stop codon.
Molecular consequence: nonsense.
Genome position (GRCh38, 1-based): chr10:12,117,754, A>T. VCF-style: chr10-12117754-A-T. GRCh37 (hg19) VCF-style: chr10-12159753-A-T.
Other names: short protein forms K801*.
Identifiers: ClinVar variation 2127547 (VCV002127547.4), dbSNP rs190101915, ClinGen allele CA5408242.